The following is an entry in ClinVar:

ClinVar aggregate classification (germline): Conflicting classifications of pathogenicity. Review status: criteria provided, conflicting classifications (1 of 4 stars). 4 submissions from 4 submitters: Uncertain significance (3); Likely benign (1). Last evaluated 2026-01-27.

Conditions:
Cardiovascular phenotype. Identifiers: MedGen CN230736.
TTN-related disorder. Also called: TTN-related condition; TTN-related disease; TTN-related disorders.

Allele frequency attached by ClinVar (database versions not stated): ExAC 0.00001; gnomAD 0.00001; gnomAD exomes 0.00001 and 0.00002.
gnomAD v4.1: 14 of 1,613,402 alleles (0.00087%); highest among the groups gnomAD compares: Admixed American, 0.0033%; no homozygotes.

Submissions (4):

PreventionGenetics, part of Exact Sciences
Classification: Likely benign for TTN-related condition. Last evaluated: 2026-01-27. Review status: criteria provided, single submitter. Criteria: ACMG Guidelines, 2015. Collection method: clinical testing. Allele origin: germline.
Comment: This variant is classified as likely benign based on ACMG/AMP sequence variant interpretation guidelines (Richards et al. 2015 PMID: 25741868, with internal and published modifications).

Ambry Genetics
Classification: Uncertain significance for Cardiovascular phenotype. Last evaluated: 2024-04-21. Review status: criteria provided, single submitter. Criteria: Ambry Variant Classification Scheme 2023. Collection method: clinical testing. Allele origin: germline.
Comment: The c.1939-3C>A intronic variant results from a C to A substitution 3 nucleotides upstream from coding exon 12 in the TTN gene. This nucleotide position is not well conserved in available vertebrate species. In silico splice site analysis predicts that this alteration will not have any significant effect on splicing. Based on the available evidence, the clinical significance of this variant remains unclear.

CeGaT Center for Human Genetics Tuebingen
Classification: Uncertain significance. Last evaluated: 2024-01-01. Review status: criteria provided, single submitter. Criteria: CeGaT Center For Human Genetics Tuebingen Variant Classification Criteria Version 2. Collection method: clinical testing. Allele origin: germline. Affected: yes. Observed: 2 variant alleles.
Comment: TTN: PM2:Supporting, BP4

GeneDx
Classification: Uncertain significance. Last evaluated: 2019-11-26. Review status: criteria provided, single submitter. Criteria: GeneDx Variant Classification Process June 2021. Collection method: clinical testing. Allele origin: germline. Affected: yes.
Comment: Has not been previously published as pathogenic or benign to our knowledge; Not observed at a significant frequency in large population cohorts (Lek et al., 2016); In silico analysis, which includes splice predictors and evolutionary conservation, suggests this variant may impact gene splicing; in the absence of RNA/functional studies, the actual effect of this sequence change is unknown; Not located in the A-band region of titin, where the majority of truncating pathogenic variants associated with DCM have been reported (Herman et al., 2012)

NM_001267550.2(TTN):c.2077-3C>A

Gene: TTN (titin; minus strand). Cytogenetic location: 2q31.2.
Variant type: single nucleotide variant.
Coding change: c.2077-3C>A on transcript NM_001267550.2 (MANE Select); 3 bases into the intron before coding-DNA position 2077, C replaced by A.
Molecular consequence: intron variant.
Genome position (GRCh38, 1-based): chr2:178,786,144, G>T on the plus strand (C>A on the coding strand, the complement: TTN is on the minus strand). VCF-style: chr2-178786144-G-T. GRCh37 (hg19) VCF-style: chr2-179650871-G-T.
Other names: c.1939-3C>A (NM_003319.4, NM_133437.4, NM_133432.3); c.2077-3C>A (NM_133378.4, NM_001256850.1, NM_133379.5).
Identifiers: ClinVar variation 1202554 (VCV001202554.28), dbSNP rs762120231, ClinGen allele CA2005899.